The following is an entry in ClinVar:

ClinVar aggregate classification (germline): Pathogenic (1 of 4 stars; one submission).

Conditions:
Dystonic disorder. Also called: Dystonia. Identifiers: MedGen C0013421, MONDO:0003441, HP:0001332.

Submission:

Labcorp Genetics (formerly Invitae), Labcorp
Classification: Pathogenic for Dystonic disorder. Last evaluated: 2023-08-04. Review status: criteria provided, single submitter. Criteria: Invitae Variant Classification Sherloc (09022015). Collection method: clinical testing. Allele origin: germline.
Comment: This variant is not present in population databases (gnomAD no frequency). This sequence change creates a premature translational stop signal (p.Gln93*) in the SPR gene. It is expected to result in an absent or disrupted protein product. Loss-of-function variants in SPR are known to be pathogenic (PMID: 22522443). This variant has not been reported in the literature in individuals affected with SPR-related conditions. For these reasons, this variant has been classified as Pathogenic. ClinVar contains an entry for this variant (Variation ID: 2165411).

Literature cited by the submitters: PubMed 22522443.

NM_003124.5(SPR):c.277C>T (p.Gln93Ter)

Gene: SPR (sepiapterin reductase; plus strand). Cytogenetic location: 2p13.2.
Variant type: single nucleotide variant.
Coding change: c.277C>T on transcript NM_003124.5 (MANE Select); coding-DNA position 277, C replaced by T.
Protein change: p.Gln93Ter; replaces glutamine 93 with a stop codon.
Molecular consequence: nonsense.
Genome position (GRCh38, 1-based): chr2:72,887,709, C>T. VCF-style: chr2-72887709-C-T. GRCh37 (hg19) VCF-style: chr2-73114838-C-T.
Other names: short protein forms Q93*.
Identifiers: ClinVar variation 2165411 (VCV002165411.4), dbSNP rs1670562308, ClinGen allele CA347231266.
Genomic context (GRCh38, chr2:72,887,709, plus strand): 5'-GAGGCCGGCTTGCAGCAGCTGCTCGGCGCCCTGCGCGAGCTCCCCCGGCCCAAGGGGCTG[C>T]AGCGACTGCTGCTTATCAACAACGCGGGTAAGACCCCGGGGCTGGAGCGGACTCCCCATG-3'